The following is an entry in ClinVar:

NM_000222.3(KIT):c.1427G>T (p.Ser476Ile)

Gene: KIT (KIT proto-oncogene, receptor tyrosine kinase; plus strand). Cytogenetic location: 4q12.
Variant type: single nucleotide variant.
Coding change: c.1427G>T on transcript NM_000222.3 (MANE Select); coding-DNA position 1427, G replaced by T.
Protein change: p.Ser476Ile; replaces serine 476 with isoleucine.
Molecular consequence: missense variant.
Genome position (GRCh38, 1-based): chr4:54,725,937, G>T. VCF-style: chr4-54725937-G-T. GRCh37 (hg19) VCF-style: chr4-55592103-G-T.
Other names: c.1427G>T, p.Ser476Ile (NM_001093772.2, NM_001385285.1, NM_001385286.1); c.1430G>T, p.Ser477Ile (NM_001385284.1, NM_001385288.1, NM_001385290.1 and 1 more transcripts); short protein forms S476I, S477I.
Identifiers: ClinVar variation 4530489 (VCV004530489.1).

ClinVar aggregate classification (somatic clinical impact): Tier II - Potential (1 of 4 stars; one submission).

Conditions:
Diffuse midline glioma, H3 K27M-mutant. Identifiers: MedGen C4289688, MONDO:0957196.

Submission:

Institute for Genomic Medicine (IGM) Clinical Laboratory, Nationwide Children's Hospital
Classification: Tier II - Potential for Diffuse midline glioma, H3 K27M-mutant. Assertion type: diagnostic. Clinical significance: supports diagnosis. Last evaluated: 2024-02-07. Review status: criteria provided, single submitter. Criteria: AMP/ASCO/CAP Guidelines, 2017. Collection method: clinical testing. Allele origin: somatic. Affected: yes.
Comment: Variant has Tier II (potential) clinical significance as a diagnostic inclusion criterion in diffuse midline glioma, H3 K27M-mutant, based on the following evidence: 1) Documented in one or more cancer databases (e.g., St. Jude Pecan, COSMIC, CIViC, OncoKB). 2) Information in the literature supports potential biologic effect of variant (PMID: 19865100). 3) Diagnostic significance based on multiple small studies (Evidence Level C; PMIDs: 28966033, 29763623, 28912153, 24705251, 31348837).

Literature cited by the submitters: PubMed 19865100; PubMed 28966033; PubMed 29763623; PubMed 28912153; PubMed 24705251; PubMed 31348837.